The following is an entry in ClinVar:

ClinVar aggregate classification (germline): Uncertain significance (1 of 4 stars; one submission).

Allele frequency attached by ClinVar (database versions not stated): gnomAD exomes below 0.00001.
gnomAD v4.1: 1 of 1,602,494 alleles (0.000062%); highest among the groups gnomAD compares: Admixed American, 0.0017%; no homozygotes.

Submission:

Labcorp Genetics (formerly Invitae), Labcorp
Classification: Uncertain significance. Last evaluated: 2022-08-09. Review status: criteria provided, single submitter. Criteria: Invitae Variant Classification Sherloc (09022015). Collection method: clinical testing. Allele origin: germline.
Comment: This sequence change replaces glutamine with arginine at codon 737 of the MYO18B protein (p.Gln737Arg). The glutamine residue is moderately conserved and there is a small physicochemical difference between glutamine and arginine. The frequency data for this variant in the population databases is considered unreliable, as metrics indicate poor data quality at this position in the gnomAD database. This variant has not been reported in the literature in individuals affected with MYO18B-related conditions. ClinVar contains an entry for this variant (Variation ID: 1367228). Algorithms developed to predict the effect of missense changes on protein structure and function are either unavailable or do not agree on the potential impact of this missense change (SIFT: "Not Available"; PolyPhen-2: "Probably Damaging"; Align-GVGD: "Not Available"). In summary, the available evidence is currently insufficient to determine the role of this variant in disease. Therefore, it has been classified as a Variant of Uncertain Significance.

NM_032608.7(MYO18B):c.2210A>G (p.Gln737Arg)

Gene: MYO18B (myosin XVIIIB; plus strand). Cytogenetic location: 22q12.1.
Variant type: single nucleotide variant.
Coding change: c.2210A>G on transcript NM_032608.7 (MANE Select); coding-DNA position 2210, A replaced by G.
Protein change: p.Gln737Arg; replaces glutamine 737 with arginine.
Molecular consequence: missense variant.
Genome position (GRCh38, 1-based): chr22:25,780,197, A>G. VCF-style: chr22-25780197-A-G. GRCh37 (hg19) VCF-style: chr22-26176164-A-G.
Other names: c.2210A>G, p.Gln737Arg (NM_001318245.2); short protein forms Q737R.
Identifiers: ClinVar variation 1367228 (VCV001367228.3), dbSNP rs1406935647, ClinGen allele CA410993934.